The following is an entry in ClinVar:

NM_007268.3(VSIG4):c.58C>T (p.Arg20Cys)

Gene: VSIG4 (V-set and immunoglobulin domain containing 4; minus strand). Cytogenetic location: Xq12.
Variant type: single nucleotide variant.
Coding change: c.58C>T on transcript NM_007268.3 (MANE Select); coding-DNA position 58, C replaced by T.
Protein change: p.Arg20Cys; replaces arginine 20 with cysteine.
Molecular consequence: missense variant.
Genome position (GRCh38, 1-based): chrX:66,033,828, G>A on the plus strand (C>T on the coding strand, the complement: VSIG4 is on the minus strand). VCF-style: chrX-66033828-G-A. GRCh37 (hg19) VCF-style: chrX-65253670-G-A.
Other names: c.58C>T, p.Arg20Cys (NM_001100431.2, NM_001184830.2, NM_001184831.2 and 1 more transcripts); short protein forms R20C.
Identifiers: ClinVar variation 2227196 (VCV002227196.29), dbSNP rs201236670, ClinGen allele CA10435090.

ClinVar aggregate classification (germline): Conflicting classifications of pathogenicity. Review status: criteria provided, conflicting classifications (1 of 4 stars). 4 submissions from 4 submitters: Uncertain significance (1); Likely benign (2). 1 of the submissions does not count toward it. Last evaluated 2025-02-15.

Conditions:
VSIG4-related disorder. Also called: VSIG4-related condition.

Allele frequency attached by ClinVar (database versions not stated): gnomAD exomes 0.00013; ESP Exome Variant Server 0.00019; ExAC 0.00022; gnomAD 0.00022; TOPMed 0.00034.
gnomAD v4.1: 157 of 1,192,354 alleles (0.013%); highest among the groups gnomAD compares: East Asian, 0.25%; no homozygotes.

Submissions (4):

Ambry Genetics
Classification: Uncertain significance. Last evaluated: 2025-02-15. Review status: criteria provided, single submitter. Criteria: Ambry Variant Classification Scheme 2023. Collection method: clinical testing. Allele origin: germline.

Blueprint Genetics
Classification: Likely benign. Last evaluated: 2022-11-23. Review status: criteria provided, single submitter. Criteria: ACMG Guidelines, 2015. Collection method: clinical testing. Allele origin: germline.

CeGaT Center for Human Genetics Tuebingen
Classification: Likely benign. Last evaluated: 2022-11-01. Review status: criteria provided, single submitter. Criteria: CeGaT Center For Human Genetics Tuebingen Variant Classification Criteria Version 2. Collection method: clinical testing. Allele origin: germline. Affected: yes. Observed: 1 variant allele.
Comment: VSIG4: BP4, BS2

PreventionGenetics, part of Exact Sciences
Classification: Likely benign for VSIG4-related condition. Last evaluated: 2022-10-05. Review status: no assertion criteria provided. Collection method: clinical testing. Allele origin: germline. Not counted in ClinVar's aggregate classification.
Comment: This variant is classified as likely benign based on ACMG/AMP sequence variant interpretation guidelines (Richards et al. 2015 PMID: 25741868, with internal and published modifications).